The following is an entry in ClinVar:

NM_000059.4(BRCA2):c.3507_3508del (p.Ala1170fs)

Gene: BRCA2 (BRCA2 DNA repair associated; plus strand). Cytogenetic location: 13q13.1.
Variant type: Deletion.
Coding change: c.3507_3508del on transcript NM_000059.4 (MANE Select); coding-DNA positions 3507 to 3508, 2 bases deleted (TG; older notation c.3507_3508delTG).
Protein change: p.Ala1170fs; shifts the reading frame from alanine 1170.
Molecular consequence: frameshift variant. On other transcripts: non-coding transcript variant (1), intron variant (2).
Genome position (GRCh38, 1-based): chr13:32,337,862-32,337,863, TG deleted. VCF-style (leftmost placement, unchanged base first): chr13-32337861-ATG-A. GRCh37 (hg19) VCF-style: chr13-32911998-ATG-A.
Other names: c.3507_3508del, p.Ala1170fs (NM_001406719.1, NM_001406720.1, NM_001432077.1); c.1909+4475_1909+4476del (NM_001406721.1); c.425-6696_425-6695del (NM_001406722.1); short protein forms A1170fs.
Identifiers: ClinVar variation 4839407 (VCV004839407.1).

ClinVar aggregate classification (germline): Pathogenic (1 of 4 stars; one submission).

Conditions:
Hereditary cancer-predisposing syndrome. Also called: Neoplastic Syndromes, Hereditary; Tumor predisposition; Hereditary Cancer Syndrome; Hereditary neoplastic syndrome. Identifiers: Orphanet 140162, MedGen C0027672, MeSH D009386, MONDO:0015356.

Submission:

Ambry Genetics
Classification: Pathogenic for Hereditary cancer-predisposing syndrome. Last evaluated: 2026-01-26. Review status: criteria provided, single submitter. Criteria: Ambry Variant Classification Scheme 2023. Collection method: clinical testing. Allele origin: germline.
Comment: The c.3507_3508delTG (p.A1170Pfs*13) alteration, located in exon 11 (coding exon 10) of the BRCA2 gene, consists of a deletion of 2 nucleotides from position 3507 to 3508, causing a translational frameshift with a predicted alternate stop codon after 13 amino acids. This variant is expected to result in loss of function by premature protein truncation or nonsense-mediated mRNA decay. This variant was not reported in population-based cohorts in the Genome Aggregation Database (gnomAD). Based on the available evidence, this alteration is classified as pathogenic.